The following is an entry in ClinVar:

ClinVar aggregate classification (germline): Likely benign (0 of 4 stars; one submission).

Conditions:
CELSR3-related disorder. Also called: CELSR3-related condition.

Allele frequency attached by ClinVar (database versions not stated): gnomAD 0.00001; gnomAD exomes 0.00003; TOPMed 0.00003; ExAC 0.00005; 1000 Genomes Project 30x 0.00016; 1000 Genomes Project 0.00020.
gnomAD v4.1: 16 of 1,607,776 alleles (0.001%); highest among the groups gnomAD compares: East Asian, 0.027%; no homozygotes.

Submission:

PreventionGenetics, part of Exact Sciences
Classification: Likely benign for CELSR3-related condition. Last evaluated: 2019-06-25. Review status: no assertion criteria provided. Collection method: clinical testing. Allele origin: germline.
Comment: This variant is classified as likely benign based on ACMG/AMP sequence variant interpretation guidelines (Richards et al. 2015 PMID: 25741868, with internal and published modifications).

NM_001407.3(CELSR3):c.4269C>T (p.Cys1423=)

Gene: CELSR3 (cadherin EGF LAG seven-pass G-type receptor 3; minus strand). Cytogenetic location: 3p21.31.
Variant type: single nucleotide variant.
Coding change: c.4269C>T on transcript NM_001407.3 (MANE Select); coding-DNA position 4269, C replaced by T.
Protein change: p.Cys1423=; no amino-acid change (cysteine 1423 retained).
Molecular consequence: synonymous variant.
Genome position (GRCh38, 1-based): chr3:48,656,828, G>A on the plus strand (C>T on the coding strand, the complement: CELSR3 is on the minus strand). VCF-style: chr3-48656828-G-A. GRCh37 (hg19) VCF-style: chr3-48694261-G-A.
Identifiers: ClinVar variation 3042505 (VCV003042505.2), dbSNP rs534018514, ClinGen allele CA2384989.
Genomic context (GRCh38, chr3:48,656,828, plus strand): 5'-TGGGTTGGAGTAGCAGAGGTCGAGCTCGGTCTCGCAAAAGTCTCCCGTGAATCCGGGCGG[G>A]CAGCGGCAGCGCAGGCCAGCGATGGGCTGGATGGGTCGGAACAGCGTGGAGGCCGAGGCC-3'
Protein context (NP_001398.2, residues 1413-1433): IQPIAGLRCR[Cys1423=]PPGFTGDFCE